The following is an entry in ClinVar:

ClinVar aggregate classification (germline): Uncertain significance. Review status: criteria provided, multiple submitters, no conflicts (2 of 4 stars). 3 submissions from 3 submitters: Uncertain significance (3). Last evaluated 2025-12-27.

Conditions:
TCF3-related disorder. Also called: TCF3-related condition.

Allele frequency attached by ClinVar (database versions not stated): gnomAD 0.00012 and 0.00011; 1000 Genomes Project 30x 0.00031; 1000 Genomes Project 0.00040; ExAC 0.00003; gnomAD exomes 0.00004; TOPMed 0.00004.
gnomAD v4.1: 66 of 1,580,548 alleles (0.0042%); highest among the groups gnomAD compares: African/African-American, 0.011%; no homozygotes.

Submissions (3):

Labcorp Genetics (formerly Invitae), Labcorp
Classification: Uncertain significance. Last evaluated: 2025-12-27. Review status: criteria provided, single submitter. Criteria: Invitae Variant Classification Sherloc (09022015). Collection method: clinical testing. Allele origin: germline.
Comment: This sequence change replaces glutamic acid, which is acidic and polar, with lysine, which is basic and polar, at codon 496 of the TCF3 protein (p.Glu496Lys). This variant is present in population databases (rs201250905, gnomAD 0.01%). This variant has not been reported in the literature in individuals affected with TCF3-related conditions. ClinVar contains an entry for this variant (Variation ID: 808418). Invitae Evidence Modeling of protein sequence and biophysical properties (such as structural, functional, and spatial information, amino acid conservation, physicochemical variation, residue mobility, and thermodynamic stability) indicates that this missense variant is not expected to disrupt TCF3 protein function with a negative predictive value of 80%. In summary, the available evidence is currently insufficient to determine the role of this variant in disease. Therefore, it has been classified as a Variant of Uncertain Significance.

PreventionGenetics, part of Exact Sciences
Classification: Uncertain significance for TCF3-related condition. Last evaluated: 2023-05-26. Review status: criteria provided, single submitter. Criteria: ACMG Guidelines, 2015. Collection method: clinical testing. Allele origin: germline.
Comment: The TCF3 c.1486G>A variant is predicted to result in the amino acid substitution p.Glu496Lys. To our knowledge, this variant has not been reported in the literature. This variant is reported in 0.015% of alleles in individuals of European (Non-Finnish) descent in gnomAD, which may be too high to be causative of disease. Although we suspect that this variant may be benign, at this time, the clinical significance of this variant is uncertain due to the absence of conclusive functional and genetic evidence.

CeGaT Center for Human Genetics Tuebingen
Classification: Uncertain significance. Last evaluated: 2019-01-01. Review status: criteria provided, single submitter. Criteria: CeGaT Center For Human Genetics Tuebingen Variant Classification Criteria Version 2. Collection method: clinical testing. Allele origin: germline. Affected: yes. Observed: 1 variant allele.

NM_003200.5(TCF3):c.1486G>A (p.Glu496Lys)

Gene: TCF3 (transcription factor 3; minus strand). Cytogenetic location: 19p13.3.
Variant type: single nucleotide variant.
Coding change: c.1486G>A on transcript NM_003200.5 (MANE Select); coding-DNA position 1486, G replaced by A.
Protein change: p.Glu496Lys; replaces glutamic acid 496 with lysine.
Molecular consequence: missense variant.
Genome position (GRCh38, 1-based): chr19:1,615,786, C>T on the plus strand (G>A on the coding strand, the complement: TCF3 is on the minus strand). VCF-style: chr19-1615786-C-T. GRCh37 (hg19) VCF-style: chr19-1615785-C-T.
Other names: c.1486G>A, p.Glu496Lys (NM_001136139.4, NM_001351779.2); c.1483G>A, p.Glu495Lys (NM_001351778.2); c.1486G>A (NM_003200.3); short protein forms E495K, E496K.
Identifiers: ClinVar variation 808418 (VCV000808418.47), dbSNP rs201250905, ClinGen allele CA9049798.
Genomic context (GRCh38, chr19:1,615,786, plus strand): 5'-CCTCCGAGTGGTCAGCCGCTGACGTGTTCTCCTCGTCCTCCTTCTCCTCCCGCTTGATCT[C>T]GCTGGCGGCCGCCGTGGCACCTGCTCGCCCTAGCCCTGCAACAGGCCTAGGGTCAGGGGC-3'
Protein context (NP_003191.1, residues 486-506): GRAGATAAAS[Glu496Lys]IKREEKEDEE